The following is an entry in ClinVar:

ClinVar aggregate classification (germline): Uncertain significance. Review status: criteria provided, multiple submitters, no conflicts (2 of 4 stars). 3 submissions from 3 submitters: Uncertain significance (3). Last evaluated 2025-08-18.

Conditions:
Familial focal epilepsy with variable foci (FPEVF). Identifiers: Orphanet 98820, MedGen C1858477, MONDO:0020310.

Allele frequency attached by ClinVar (database versions not stated): gnomAD exomes 0.00001.
gnomAD v4.1: 4 of 1,613,346 alleles (0.00025%); highest among the groups gnomAD compares: Non-Finnish European, 0.00025%; no homozygotes.

Submissions (3):

Labcorp Genetics (formerly Invitae), Labcorp
Classification: Uncertain significance for Familial focal epilepsy with variable foci. Last evaluated: 2025-08-18. Review status: criteria provided, single submitter. Criteria: Invitae Variant Classification Sherloc (09022015). Collection method: clinical testing. Allele origin: germline.
Comment: This sequence change replaces aspartic acid, which is acidic and polar, with asparagine, which is neutral and polar, at codon 1267 of the DEPDC5 protein (p.Asp1267Asn). This variant is present in population databases (no rsID available, gnomAD 0.0009%). This variant has not been reported in the literature in individuals affected with DEPDC5-related conditions. ClinVar contains an entry for this variant (Variation ID: 994595). Experimental studies and prediction algorithms are not available or were not evaluated, and the functional significance of this variant is currently unknown. In summary, the available evidence is currently insufficient to determine the role of this variant in disease. Therefore, it has been classified as a Variant of Uncertain Significance.

GeneDx
Classification: Uncertain significance. Last evaluated: 2024-09-04. Review status: criteria provided, single submitter. Criteria: GeneDx Variant Classification Process June 2021. Collection method: clinical testing. Allele origin: germline. Affected: yes.
Comment: Reported in an adult with temporal lobe epilepsy (PMID: 30034362); Not observed at significant frequency in large population cohorts (gnomAD); In silico analysis indicates that this missense variant does not alter protein structure/function; This variant is associated with the following publications: (PMID: 30034362)

Athena Diagnostics
Classification: Uncertain significance. Last evaluated: 2020-06-16. Review status: criteria provided, single submitter. Criteria: Athena Diagnostics Criteria. Collection method: clinical testing. Allele origin: unknown.

NM_001242896.3(DEPDC5):c.3799G>A (p.Asp1267Asn)

Gene: DEPDC5 (DEP domain containing 5, GATOR1 subcomplex subunit; plus strand). Cytogenetic location: 22q12.3.
Variant type: single nucleotide variant.
Coding change: c.3799G>A on transcript NM_001242896.3 (MANE Select); coding-DNA position 3799, G replaced by A.
Protein change: p.Asp1267Asn; replaces aspartic acid 1267 with asparagine.
Molecular consequence: missense variant. On other transcripts: non-coding transcript variant (2).
Genome position (GRCh38, 1-based): chr22:31,876,259, G>A. VCF-style: chr22-31876259-G-A. GRCh37 (hg19) VCF-style: chr22-32272245-G-A.
Other names: c.3772G>A, p.Asp1258Asn (NM_001136029.4); c.3499G>A, p.Asp1167Asn (NM_001242897.2); c.3733G>A, p.Asp1245Asn (NM_001363852.2, NM_001364320.2); c.3565G>A, p.Asp1189Asn (NM_001363854.2, NM_001364319.2); c.3799G>A, p.Asp1267Asn (NM_001364318.2); c.3715G>A, p.Asp1239Asn (NM_001369901.1, NM_001369902.1); c.3706G>A, p.Asp1236Asn (NM_001369903.1, NM_014662.6); short protein forms D1167N, D1189N, D1236N, D1239N, D1245N, D1258N, D1267N.
Identifiers: ClinVar variation 994595 (VCV000994595.10), dbSNP rs1340279120, ClinGen allele CA411279846.